The following is an entry in ClinVar:

ClinVar aggregate classification (germline): Uncertain significance (1 of 4 stars; one submission).

Submission:

GeneDx
Classification: Uncertain significance. Last evaluated: 2022-10-16. Review status: criteria provided, single submitter. Criteria: GeneDx Variant Classification Process June 2021. Collection method: clinical testing. Allele origin: germline. Affected: yes.
Comment: Apparently de novo variant, reported as c.1268 A>G p.Tyr423Cys due to alternate nomenclature, in an individual with motor delay, speech delay, intellectual disability, tone abnormalities, and dysmorphic features (Dias et al., 2021); In silico analysis supports that this missense variant has a deleterious effect on protein structure/function; Not observed at significant frequency in large population cohorts (gnomAD); Variants in candidate genes are classified as variants of uncertain significance in accordance with ACMG guidelines (Richards et al., 2015); This variant is associated with the following publications: (PMID: 34003604)

NM_001367943.1(TCF7L2):c.1268A>G (p.Tyr423Cys)

Gene: TCF7L2 (transcription factor 7 like 2; plus strand). Cytogenetic location: 10q25.3.
Variant type: single nucleotide variant.
Coding change: c.1268A>G on transcript NM_001367943.1 (MANE Select); coding-DNA position 1268, A replaced by G.
Protein change: p.Tyr423Cys; replaces tyrosine 423 with cysteine.
Molecular consequence: missense variant.
Genome position (GRCh38, 1-based): chr10:113,152,439, A>G. VCF-style: chr10-113152439-A-G. GRCh37 (hg19) VCF-style: chr10-114912198-A-G.
Other names: c.1268A>G, p.Tyr423Cys (NM_001146274.2, NM_001198531.2, NM_001363501.2); c.1340A>G, p.Tyr447Cys (NM_001146283.2); c.1187A>G, p.Tyr396Cys (NM_001146284.2, NM_001198527.2); c.1199A>G, p.Tyr400Cys (NM_001146285.2, NM_001146286.2, NM_001198526.2 and 3 more transcripts); c.1214A>G, p.Tyr405Cys (NM_001198525.2); c.1097A>G, p.Tyr366Cys (NM_001198530.2); c.839A>G, p.Tyr280Cys (NM_001349870.2); c.719A>G, p.Tyr240Cys (NM_001349871.1); short protein forms Y240C, Y280C, Y366C, Y396C, Y400C, Y405C, Y423C, Y447C.
Identifiers: ClinVar variation 2501986 (VCV002501986.1), dbSNP rs2544396639, ClinGen allele CA378409865.